The following is an entry in ClinVar:

ClinVar aggregate classification (germline): Pathogenic (1 of 4 stars; one submission).

Conditions:
MHC class II deficiency. Also called: Bare lymphocyte syndrome 2; BLS, TYPE II. Identifiers: Orphanet 572, MedGen C5447452, MONDO:0008855.

Submission:

Labcorp Genetics (formerly Invitae), Labcorp
Classification: Pathogenic for MHC class II deficiency. Last evaluated: 2025-10-03. Review status: criteria provided, single submitter. Criteria: Invitae Variant Classification Sherloc (09022015). Collection method: clinical testing. Allele origin: germline.
Comment: This sequence change creates a premature translational stop signal (p.Glu121Argfs*55) in the RFXAP gene. It is expected to result in an absent or disrupted protein product. Loss-of-function variants in RFXAP are known to be pathogenic (PMID: 9118943, 22390233). This variant is present in population databases (no rsID available, gnomAD 0.004%). This variant has not been reported in the literature in individuals affected with RFXAP-related conditions. For these reasons, this variant has been classified as Pathogenic.

Literature cited by the submitters: PubMed 9118943; PubMed 22390233.

NM_000538.4(RFXAP):c.359dup (p.Glu121fs)

Gene: RFXAP (regulatory factor X associated protein; plus strand). Cytogenetic location: 13q13.3.
Variant type: Duplication.
Coding change: c.359dup on transcript NM_000538.4 (MANE Select); coding-DNA position 359, one base duplicated (G; older notation c.359dupG).
Protein change: p.Glu121fs; shifts the reading frame from glutamic acid 121.
Molecular consequence: frameshift variant.
Genome position (GRCh38, 1-based): chr13:36,819,716, G duplicated; the last of 6 consecutive G bases (chr13:36,819,711-36,819,716); duplicating any one gives the same sequence. VCF-style (leftmost placement, unchanged base first): chr13-36819710-C-CG. GRCh37 (hg19) VCF-style: chr13-37393847-C-CG.
Other names: short protein forms E121fs.
Identifiers: ClinVar variation 4699880 (VCV004699880.2).